The following is an entry in ClinVar:

NM_000271.5(NPC1):c.188G>A (p.Cys63Tyr)

Gene: NPC1 (NPC intracellular cholesterol transporter 1; minus strand). Cytogenetic location: 18q11.2.
Variant type: single nucleotide variant.
Coding change: c.188G>A on transcript NM_000271.5 (MANE Select); coding-DNA position 188, G replaced by A.
Protein change: p.Cys63Tyr; replaces cysteine 63 with tyrosine.
Molecular consequence: missense variant.
Genome position (GRCh38, 1-based): chr18:23,572,173, C>T on the plus strand (G>A on the coding strand, the complement: NPC1 is on the minus strand). VCF-style: chr18-23572173-C-T. GRCh37 (hg19) VCF-style: chr18-21152137-C-T.
Other names: short protein forms C63Y.
Identifiers: ClinVar variation 1465722 (VCV001465722.8), dbSNP rs2145544950, ClinGen allele CA401786634.

ClinVar aggregate classification (germline): Likely pathogenic (1 of 4 stars; one submission).

Conditions:
Niemann-Pick disease, type C1. Also called: NIEMANN-PICK DISEASE, VARIANT TYPE C1; NEUROVISCERAL STORAGE DISEASE WITH VERTICAL SUPRANUCLEAR OPHTHALMOPLEGIA; NIEMANN-PICK DISEASE WITH CHOLESTEROL ESTERIFICATION BLOCK; NIEMANN-PICK DISEASE WITHOUT SPHINGOMYELINASE DEFICIENCY; NIEMANN-PICK DISEASE, CHRONIC NEURONOPATHIC FORM. Identifiers: Orphanet 646, MedGen C3179455, MONDO:0009757, OMIM 257220.

Submission:

Labcorp Genetics (formerly Invitae), Labcorp
Classification: Likely pathogenic for Niemann-Pick disease, type C1. Last evaluated: 2021-06-02. Review status: criteria provided, single submitter. Criteria: Invitae Variant Classification Sherloc (09022015). Collection method: clinical testing. Allele origin: germline.
Comment: This variant has not been reported in the literature in individuals with NPC1-related conditions. Advanced modeling of protein sequence and biophysical properties (such as structural, functional, and spatial information, amino acid conservation, physicochemical variation, residue mobility, and thermodynamic stability) performed at Invitae indicates that this missense variant is expected to disrupt NPC1 protein function. This variant disrupts the p.Cys63Arg amino acid residue in NPC1. Other variant(s) that disrupt this residue have been determined to be pathogenic (PMID: 11545687, Invitae). This suggests that this residue is clinically significant, and that variants that disrupt this residue are likely to be disease-causing. In summary, the currently available evidence indicates that the variant is pathogenic, but additional data are needed to prove that conclusively. Therefore, this variant has been classified as Likely Pathogenic. This sequence change replaces cysteine with tyrosine at codon 63 of the NPC1 protein (p.Cys63Tyr). The cysteine residue is highly conserved and there is a large physicochemical difference between cysteine and tyrosine. This variant is not present in population databases (ExAC no frequency).

Literature cited by the submitters: PubMed 11545687.